The following is an entry in ClinVar:

NM_003924.4(PHOX2B):c.88T>G (p.Tyr30Asp)

Genes: PHOX2B (paired like homeobox 2B; minus strand), PHOX2B-AS1 (PHOX2B antisense RNA 1; plus strand). Cytogenetic location: 4p13.
Variant type: single nucleotide variant.
Coding change: c.88T>G on transcript NM_003924.4 (MANE Select); coding-DNA position 88, T replaced by G.
Protein change: p.Tyr30Asp; replaces tyrosine 30 with aspartic acid.
Molecular consequence: missense variant.
Genome position (GRCh38, 1-based): chr4:41,748,523, A>C on the plus strand (T>G on the coding strand, the complement: PHOX2B is on the minus strand). VCF-style: chr4-41748523-A-C. GRCh37 (hg19) VCF-style: chr4-41750540-A-C.
Other names: short protein forms Y30D.
Identifiers: ClinVar variation 406406 (VCV000406406.10), dbSNP rs1060501122, ClinGen allele CA16611629.
Genomic context (GRCh38, chr4:41,748,523, plus strand): 5'-TGGTCCTTATCGGGTTATACTGGAAGCCACTGGCCTGGCTGCAGGAACTGAAGTCAGCAT[A>C]GGCTGAAGCCAGGCTCGAGGTGTCCATCCCAGCCATACAGGACTCGTAGGCAGAGGAATT-3'
Protein context (NP_003915.2, residues 20-40): GMDTSSLASA[Tyr30Asp]ADFSSCSQAS

ClinVar aggregate classification (germline): Uncertain significance (1 of 4 stars; one submission).

Conditions:
Haddad syndrome (OHD). Also called: Ondine-Hirschsprung disease. Identifiers: Orphanet 99803, MedGen C1859049, MONDO:0020493.

Submission:

Labcorp Genetics (formerly Invitae), Labcorp
Classification: Uncertain significance for Haddad syndrome. Last evaluated: 2022-01-12. Review status: criteria provided, single submitter. Criteria: Invitae Variant Classification Sherloc (09022015). Collection method: clinical testing. Allele origin: germline.
Comment: In summary, the available evidence is currently insufficient to determine the role of this variant in disease. Therefore, it has been classified as a Variant of Uncertain Significance. Algorithms developed to predict the effect of missense changes on protein structure and function (SIFT, PolyPhen-2, Align-GVGD) all suggest that this variant is likely to be disruptive. ClinVar contains an entry for this variant (Variation ID: 406406). This variant has not been reported in the literature in individuals affected with PHOX2B-related conditions. This variant is not present in population databases (gnomAD no frequency). This sequence change replaces tyrosine, which is neutral and polar, with aspartic acid, which is acidic and polar, at codon 30 of the PHOX2B protein (p.Tyr30Asp).